The following is an entry in ClinVar:

NM_015158.5(KANK1):c.3897+6C>T

Gene: KANK1 (KN motif and ankyrin repeat domains 1; plus strand). Cytogenetic location: 9p24.3.
Variant type: single nucleotide variant.
Coding change: c.3897+6C>T on transcript NM_015158.5 (MANE Select); 6 bases into the intron after coding-DNA position 3897, C replaced by T.
Molecular consequence: intron variant.
Genome position (GRCh38, 1-based): chr9:742,411, C>T. VCF-style: chr9-742411-C-T. GRCh37 (hg19) VCF-style: chr9-742411-C-T.
Other names: c.3897+6C>T (NM_015158.3, NM_001256876.3, NM_001354334.2 and 1 more transcripts); c.3423+6C>T (NM_001354333.2, NM_001354335.2, NM_001354337.2 and 2 more transcripts); c.3657+6C>T (NM_001354331.2); c.3843+6C>T (NM_001354332.2); c.3129+6C>T (NM_001354336.2); c.3183+6C>T (NM_001354339.2, NM_001354343.2, NM_001354342.2); c.3369+6C>T (NM_001354338.2, NM_001354340.2, NM_001354344.2).
Identifiers: ClinVar variation 1477820 (VCV001477820.8), dbSNP rs372609027, ClinGen allele CA4961220.

ClinVar aggregate classification (germline): Uncertain significance. Review status: criteria provided, single submitter (1 of 4 stars). 2 submissions from 2 submitters: Uncertain significance (1). 1 of the submissions does not count toward it. Last evaluated 2025-04-28.

Conditions:
KANK1-related disorder. Also called: KANK1-related condition.

Allele frequency attached by ClinVar (database versions not stated): gnomAD exomes 0.00001; TOPMed 0.00002; ExAC 0.00003; ESP Exome Variant Server 0.00008.
gnomAD v4.1: 10 of 1,607,678 alleles (0.00062%); highest among the groups gnomAD compares: Non-Finnish European, 0.00085%; no homozygotes.

Submissions (2):

Labcorp Genetics (formerly Invitae), Labcorp
Classification: Uncertain significance. Last evaluated: 2025-04-28. Review status: criteria provided, single submitter. Criteria: Invitae Variant Classification Sherloc (09022015). Collection method: clinical testing. Allele origin: germline.
Comment: This sequence change falls in intron 10 of the KANK1 gene. It does not directly change the encoded amino acid sequence of the KANK1 protein. It affects a nucleotide within the consensus splice site. This variant is present in population databases (rs372609027, gnomAD 0.003%). This variant has not been reported in the literature in individuals affected with KANK1-related conditions. ClinVar contains an entry for this variant (Variation ID: 1477820). Variants that disrupt the consensus splice site are a relatively common cause of aberrant splicing (PMID: 17576681, 9536098). Algorithms developed to predict the effect of sequence changes on RNA splicing suggest that this variant is not likely to affect RNA splicing. In summary, the available evidence is currently insufficient to determine the role of this variant in disease. Therefore, it has been classified as a Variant of Uncertain Significance.

PreventionGenetics, part of Exact Sciences
Classification: Likely benign for KANK1-related condition. Last evaluated: 2022-01-19. Review status: no assertion criteria provided. Collection method: clinical testing. Allele origin: germline. Not counted in ClinVar's aggregate classification.
Comment: This variant is classified as likely benign based on ACMG/AMP sequence variant interpretation guidelines (Richards et al. 2015 PMID: 25741868, with internal and published modifications).

Literature cited by the submitters: PubMed 17576681 (cited by Labcorp Genetics (formerly Invitae), Labcorp); PubMed 9536098 (cited by Labcorp Genetics (formerly Invitae), Labcorp).